The following is an entry in ClinVar:

ClinVar aggregate classification (germline): Uncertain significance (1 of 4 stars; one submission).

gnomAD v4.1: 3 of 1,614,018 alleles (0.00019%); highest among the groups gnomAD compares: Non-Finnish European, 0.00025%; no homozygotes.

Submission:

GeneDx
Classification: Uncertain significance. Last evaluated: 2022-04-06. Review status: criteria provided, single submitter. Criteria: GeneDx Variant Classification Process June 2021. Collection method: clinical testing. Allele origin: germline. Affected: yes.
Comment: Not observed at significant frequency in large population cohorts (gnomAD); In silico analysis supports that this missense variant does not alter protein structure/function; Has not been previously published as pathogenic or benign to our knowledge

NM_000212.3(ITGB3):c.1157G>C (p.Arg386Pro)

Gene: ITGB3 (integrin subunit beta 3; plus strand). Cytogenetic location: 17q21.32.
Variant type: single nucleotide variant.
Coding change: c.1157G>C on transcript NM_000212.3 (MANE Select); coding-DNA position 1157, G replaced by C.
Protein change: p.Arg386Pro; replaces arginine 386 with proline.
Molecular consequence: missense variant.
Genome position (GRCh38, 1-based): chr17:47,290,985, G>C. VCF-style: chr17-47290985-G-C. GRCh37 (hg19) VCF-style: chr17-45368351-G-C.
Other names: short protein forms R386P.
Identifiers: ClinVar variation 1708736 (VCV001708736.2), dbSNP rs1231109822, ClinGen allele CA400027664.